The following is an entry in ClinVar:

ClinVar aggregate classification (germline): Conflicting classifications of pathogenicity. Review status: criteria provided, conflicting classifications (1 of 4 stars). 2 submissions from 2 submitters: Uncertain significance (1); Likely benign (1). Last evaluated 2025-04-22.

Conditions:
Kabuki syndrome. Also called: Kabuki make-up syndrome; NIIKAWA-KUROKI SYNDROME. Identifiers: Orphanet 2322, MedGen C0796004, MONDO:0016512.
KMT2D-related disorder. Also called: KMT2D-Related Disorders.

Allele frequency attached by ClinVar (database versions not stated): ExAC 0.00001.
gnomAD v4.1: 5 of 1,613,504 alleles (0.00031%); highest among the groups gnomAD compares: Admixed American, 0.0017%; no homozygotes.

Submissions (2):

PreventionGenetics, part of Exact Sciences
Classification: Uncertain significance for KMT2D-related condition. Last evaluated: 2025-04-22. Review status: criteria provided, single submitter. Criteria: ACMG Guidelines, 2015. Collection method: clinical testing. Allele origin: germline.
Comment: The KMT2D c.11137T>G variant is predicted to result in the amino acid substitution p.Ser3713Ala. To our knowledge, this variant has not been reported in the literature. This variant is reported in 0.00089% of alleles in individuals of European (Non-Finnish) descent in gnomAD. At this time, the clinical significance of this variant is uncertain due to the absence of conclusive functional and genetic evidence.

Labcorp Genetics (formerly Invitae), Labcorp
Classification: Likely benign for Kabuki syndrome. Last evaluated: 2023-01-28. Review status: criteria provided, single submitter. Criteria: Invitae Variant Classification Sherloc (09022015). Collection method: clinical testing. Allele origin: germline.

NM_003482.4(KMT2D):c.11137T>G (p.Ser3713Ala)

Gene: KMT2D (lysine methyltransferase 2D; minus strand). Cytogenetic location: 12q13.12.
Variant type: single nucleotide variant.
Coding change: c.11137T>G on transcript NM_003482.4 (MANE Select); coding-DNA position 11137, T replaced by G.
Protein change: p.Ser3713Ala; replaces serine 3713 with alanine.
Molecular consequence: missense variant.
Genome position (GRCh38, 1-based): chr12:49,033,568, A>C on the plus strand (T>G on the coding strand, the complement: KMT2D is on the minus strand). VCF-style: chr12-49033568-A-C. GRCh37 (hg19) VCF-style: chr12-49427351-A-C.
Other names: short protein forms S3713A.
Identifiers: ClinVar variation 1971121 (VCV001971121.7), dbSNP rs780573479, ClinGen allele CA6546360.
Genomic context (GRCh38, chr12:49,033,568, plus strand): 5'-TCTGGGCCAGCTGCATACGTTGCTGCTGCAGCTGCAGCTGCCTTTCCTGTAAAAGCCTTG[A>C]ATCAGGTCCGAGGCTTCGAAGAGCAAGGTTGCCAGGGAAGAAGCCCCCTGAAGGGCCAGC-3'
Protein context (NP_003473.3, residues 3703-3723): NLALRSLGPD[Ser3713Ala]RLLQERQLQL